The following is an entry in ClinVar:

NM_001134407.3(GRIN2A):c.4330del (p.Val1444fs)

Gene: GRIN2A (glutamate ionotropic receptor NMDA type subunit 2A; minus strand). Cytogenetic location: 16p13.2.
Variant type: Deletion.
Coding change: c.4330del on transcript NM_001134407.3 (MANE Select); coding-DNA position 4330, one base deleted (G; older notation c.4330delG).
Protein change: p.Val1444fs; shifts the reading frame from valine 1444.
Molecular consequence: frameshift variant. On other transcripts: 3 prime UTR variant (1).
Genome position (GRCh38, 1-based): chr16:9,763,214, C deleted on the plus strand (G on the coding strand, the reverse complement: GRIN2A is on the minus strand); the first of 3 consecutive C bases (chr16:9,763,214-9,763,216); deleting any one gives the same sequence. VCF-style (leftmost placement, unchanged base first): chr16-9763213-AC-A. GRCh37 (hg19) VCF-style: chr16-9857070-AC-A.
Other names: c.4330del, p.Val1444fs (NM_000833.5); c.*141del (NM_001134408.2); c.4330del (NM_000833.3); short protein forms V1444fs.
Identifiers: ClinVar variation 2801873 (VCV002801873.4), dbSNP rs2505959955, ClinGen allele CA2739265493.

ClinVar aggregate classification (germline): Conflicting classifications of pathogenicity. Review status: criteria provided, conflicting classifications (1 of 4 stars). 2 submissions from 2 submitters: Pathogenic (1); Uncertain significance (1). Last evaluated 2023-12-09.

Conditions:
Landau-Kleffner syndrome (FESD). Also called: EPILEPSY, FOCAL, WITH SPEECH DISORDER AND WITH OR WITHOUT MENTAL RETARDATION; APHASIA, ACQUIRED, WITH EPILEPSY. Identifiers: Orphanet 1945, Orphanet 725, Orphanet 98818, MedGen C0282512, MONDO:0009509, OMIM 245570.

Submissions (2):

Labcorp Genetics (formerly Invitae), Labcorp
Classification: Pathogenic for Landau-Kleffner syndrome. Last evaluated: 2023-12-09. Review status: criteria provided, single submitter. Criteria: Invitae Variant Classification Sherloc (09022015). Collection method: clinical testing. Allele origin: germline.
Comment: This sequence change creates a premature translational stop signal (p.Val1444Phefs*2) in the GRIN2A gene. While this is not anticipated to result in nonsense mediated decay, it is expected to disrupt the last 21 amino acid(s) of the GRIN2A protein. This variant is not present in population databases (gnomAD no frequency). This variant has not been reported in the literature in individuals affected with GRIN2A-related conditions. This variant disrupts a region of the GRIN2A protein in which other variant(s) (p.Asn1397Glnfs*23) have been determined to be pathogenic (PMID: 25724810). This suggests that this is a clinically significant region of the protein, and that variants that disrupt it are likely to be disease-causing. For these reasons, this variant has been classified as Pathogenic.

GeneDx
Classification: Uncertain significance. Last evaluated: 2023-10-31. Review status: criteria provided, single submitter. Criteria: GeneDx Variant Classification Process June 2021. Collection method: clinical testing. Allele origin: germline. Affected: yes.
Comment: Not observed at significant frequency in large population cohorts (gnomAD); Frameshift variant predicted to result in abnormal protein length as the last 21 amino acids are replaced with 1 different amino acid; Has not been previously published as pathogenic or benign to our knowledge

Literature cited by the submitters: PubMed 25724810 (cited by Labcorp Genetics (formerly Invitae), Labcorp).